The following is an entry in ClinVar:

ClinVar aggregate classification (germline): Conflicting classifications of pathogenicity. Review status: criteria provided, conflicting classifications (1 of 4 stars). 5 submissions from 5 submitters: Uncertain significance (4); Benign (1). Last evaluated 2026-08-07.

Conditions:
COL11A2-related disorder. Also called: COL11A2-related condition; COL11A2-related disorders.
Autosomal dominant nonsyndromic hearing loss 33. Also called: Deafness, autosomal dominant 33. Identifiers: Orphanet 90635, MedGen C3887930, MONDO:0013632, OMIM 614211.

Allele frequency attached by ClinVar (database versions not stated): gnomAD exomes 0.00002; gnomAD 0.00004; ExAC 0.00005; TOPMed 0.00008; ESP Exome Variant Server 0.00012.

Submissions (5):

PreventionGenetics, part of Exact Sciences
Classification: Uncertain significance for COL11A2-related condition. Last evaluated: 2026-08-07. Review status: criteria provided, single submitter. Criteria: ACMG Guidelines, 2015. Collection method: clinical testing. Allele origin: germline.
Comment: The COL11A2 c.1451C>T variant is predicted to result in the amino acid substitution p.Ala484Val. To our knowledge, this variant has not been reported in the literature. This variant is reported in 0.017% of alleles in individuals of African descent in gnomAD. At this time, the clinical significance of this variant is uncertain due to the absence of conclusive functional and genetic evidence.

Labcorp Genetics (formerly Invitae), Labcorp
Classification: Benign. Last evaluated: 2026-01-21. Review status: criteria provided, single submitter. Criteria: Invitae Variant Classification Sherloc (09022015). Collection method: clinical testing. Allele origin: germline.

GeneDx
Classification: Uncertain significance. Last evaluated: 2025-09-24. Review status: criteria provided, single submitter. Criteria: GeneDx Variant Classification Process June 2021. Collection method: clinical testing. Allele origin: germline. Affected: yes.
Comment: In silico analysis supports that this missense variant has a deleterious effect on protein structure/function; Has not been previously published as pathogenic or benign to our knowledge; Not observed at significant frequency in large population cohorts (gnomAD)

Eurofins Ntd Llc (ga)
Classification: Uncertain significance. Last evaluated: 2017-05-15. Review status: criteria provided, single submitter. Criteria: EGL Classification Definitions 2015. Collection method: clinical testing. Allele origin: germline. Observed: 1 variant allele, 1 heterozygote.

Institute of Human Genetics, University Hospital of Duesseldorf
Classification: Uncertain significance for Autosomal dominant nonsyndromic hearing loss 33. Review status: criteria provided, single submitter. Criteria: ACMG Guidelines, 2015. Collection method: not provided. Allele origin: germline. Inheritance: Autosomal dominant inheritance. Affected: yes.

NM_080680.3(COL11A2):c.1451C>T (p.Ala484Val)

Gene: COL11A2 (collagen type XI alpha 2 chain; minus strand). Cytogenetic location: 6p21.32.
Variant type: single nucleotide variant.
Coding change: c.1451C>T on transcript NM_080680.3 (MANE Select); coding-DNA position 1451, C replaced by T.
Protein change: p.Ala484Val; replaces alanine 484 with valine.
Molecular consequence: missense variant.
Genome position (GRCh38, 1-based): chr6:33,179,483, G>A on the plus strand (C>T on the coding strand, the complement: COL11A2 is on the minus strand). VCF-style: chr6-33179483-G-A. GRCh37 (hg19) VCF-style: chr6-33147260-G-A.
Other names: c.1130C>T, p.Ala377Val (NM_080679.3); c.1193C>T, p.Ala398Val (NM_080681.3); short protein forms A484V, A377V, A398V.
Identifiers: ClinVar variation 501980 (VCV000501980.17), dbSNP rs143965711, ClinGen allele CA3751342.
Genomic context (GRCh38, chr6:33,179,483, plus strand): 5'-TCACTCACCAAGGGTCCAGGGCGCCCTGTGTATCCCATGGGGCCAGGGGGTCCACGGAGC[G>A]CCAGCTAGGGGAGCAGGGGGACAGCAGAGCTGAGGGACAGGCAGTGGGAACCCCCAGCCC-3'
Protein context (NP_542411.2, residues 474-494): AQAILQQARL[Ala484Val]LRGPPGPMGY